The following is an entry in ClinVar:

ClinVar aggregate classification (germline): Uncertain significance (1 of 4 stars; one submission).

Conditions:
Developmental and epileptic encephalopathy, 31B. Also called: Developmental and epileptic encephalopathy 31B, autosomal recessive. Identifiers: MedGen C5830459, MONDO:0957248, OMIM 620352.
Developmental and epileptic encephalopathy, 31A. Also called: Epileptic encephalopathy, early infantile, 31; Developmental and epileptic encephalopathy, 31. Identifiers: Orphanet 2382, MedGen C4225357, MONDO:0014598, OMIM 616346.

Submission:

Juno Genomics, Hangzhou Juno Genomics, Inc
Classification: Uncertain significance for Developmental and epileptic encephalopathy, 31A; Developmental and epileptic encephalopathy, 31B. Review status: criteria provided, single submitter. Criteria: ACMG Guidelines, 2015. Collection method: clinical testing. Allele origin: germline.
Comment: Absent from controls (or at extremely low frequency if recessive) in Genome Aggregation Database.;Missense variant in a gene that has a low rate of benign missense variation.

NM_004408.4(DNM1):c.875C>T (p.Thr292Ile)

Gene: DNM1 (dynamin 1; plus strand). Cytogenetic location: 9q34.11.
Variant type: single nucleotide variant.
Coding change: c.875C>T on transcript NM_004408.4 (MANE Select); coding-DNA position 875, C replaced by T.
Protein change: p.Thr292Ile; replaces threonine 292 with isoleucine.
Molecular consequence: missense variant.
Genome position (GRCh38, 1-based): chr9:128,222,222, C>T. VCF-style: chr9-128222222-C-T. GRCh37 (hg19) VCF-style: chr9-130984501-C-T.
Other names: c.875C>T, p.Thr292Ile (NM_001005336.3, NM_001288737.2, NM_001288738.2 and 2 more transcripts); short protein forms T292I.
Identifiers: ClinVar variation 5019237 (VCV005019237.2).